The following is an entry in ClinVar:

NM_015335.5(MED13L):c.3913C>T (p.His1305Tyr)

Gene: MED13L (mediator complex subunit 13L; minus strand). Cytogenetic location: 12q24.21.
Variant type: single nucleotide variant.
Coding change: c.3913C>T on transcript NM_015335.5 (MANE Select); coding-DNA position 3913, C replaced by T.
Protein change: p.His1305Tyr; replaces histidine 1305 with tyrosine.
Molecular consequence: missense variant.
Genome position (GRCh38, 1-based): chr12:115,991,041, G>A on the plus strand (C>T on the coding strand, the complement: MED13L is on the minus strand). VCF-style: chr12-115991041-G-A. GRCh37 (hg19) VCF-style: chr12-116428846-G-A.
Other names: short protein forms H1305Y.
Identifiers: ClinVar variation 1685640 (VCV001685640.4), dbSNP rs1231044656, ClinGen allele CA386886072.
Genomic context (GRCh38, chr12:115,991,041, plus strand): 5'-GATACTCCTCAAAGTAAATTTGTGTTCTGGGACACCTACCATTGCTGTGAGGCCAAGAGT[G>A]CACAGTGGCACTTCTCACCAGAGCTTCGTCCACTTTTCCACCAGTGGGGTTATCCACATA-3'
Protein context (NP_056150.1, residues 1295-1315): DEALVRSATV[His1305Tyr]SWPHSNVLDI

ClinVar aggregate classification (germline): Conflicting classifications of pathogenicity. Review status: criteria provided, conflicting classifications (1 of 4 stars). 3 submissions from 3 submitters: Uncertain significance (2); Benign (1). Last evaluated 2025-07-04.

Conditions:
Dextro-looped transposition of the great arteries. Also called: Dextrotransposition of the great arteries. Identifiers: Orphanet 860, MedGen C3531771, MONDO:0019443, OMIM 608808, HP:0031348.

Allele frequency attached by ClinVar (database versions not stated): gnomAD exomes below 0.00001.
gnomAD v4.1: 2 of 1,614,044 alleles (0.00012%); highest among the groups gnomAD compares: Non-Finnish European, 0.00017%; no homozygotes.

Submissions (3):

Labcorp Genetics (formerly Invitae), Labcorp
Classification: Uncertain significance for Dextro-looped transposition of the great arteries. Last evaluated: 2025-07-04. Review status: criteria provided, single submitter. Criteria: Invitae Variant Classification Sherloc (09022015). Collection method: clinical testing. Allele origin: germline.
Comment: This sequence change replaces histidine, which is basic and polar, with tyrosine, which is neutral and polar, at codon 1305 of the MED13L protein (p.His1305Tyr). This variant is not present in population databases (gnomAD no frequency). This variant has not been reported in the literature in individuals affected with MED13L-related conditions. ClinVar contains an entry for this variant (Variation ID: 1685640). Invitae Evidence Modeling of protein sequence and biophysical properties (such as structural, functional, and spatial information, amino acid conservation, physicochemical variation, residue mobility, and thermodynamic stability) indicates that this missense variant is expected to disrupt MED13L protein function with a positive predictive value of 80%. In summary, the available evidence is currently insufficient to determine the role of this variant in disease. Therefore, it has been classified as a Variant of Uncertain Significance.

Mendelics
Classification: Benign. Last evaluated: 2022-05-04. Review status: criteria provided, single submitter. Criteria: Mendelics Assertion Criteria 2019. Collection method: clinical testing. Allele origin: germline.

GeneDx
Classification: Uncertain significance. Last evaluated: 2022-01-31. Review status: criteria provided, single submitter. Criteria: GeneDx Variant Classification Process June 2021. Collection method: clinical testing. Allele origin: germline. Affected: yes.
Comment: Not observed at significant frequency in large population cohorts (gnomAD); In silico analysis supports that this missense variant has a deleterious effect on protein structure/function; Has not been previously published as pathogenic or benign to our knowledge